The following is an entry in ClinVar:

NM_004213.5(SLC28A1):c.1017C>T (p.His339=)

Gene: SLC28A1 (solute carrier family 28 member 1; plus strand). Cytogenetic location: 15q25.3.
Variant type: single nucleotide variant.
Coding change: c.1017C>T on transcript NM_004213.5 (MANE Select); coding-DNA position 1017, C replaced by T.
Protein change: p.His339=; no amino-acid change (histidine 339 retained).
Molecular consequence: synonymous variant.
Genome position (GRCh38, 1-based): chr15:84,924,044, C>T. VCF-style: chr15-84924044-C-T. GRCh37 (hg19) VCF-style: chr15-85467275-C-T.
Other names: c.1017C>T, p.His339= (NM_001287761.2, NM_001287762.2, NM_001321721.2 and 1 more transcripts).
Identifiers: ClinVar variation 3060168 (VCV003060168.2), dbSNP rs3803390, ClinGen allele CA7710679.

ClinVar aggregate classification (germline): Benign (0 of 4 stars; one submission).

Conditions:
SLC28A1-related disorder. Also called: SLC28A1-related condition.

Allele frequency attached by ClinVar (database versions not stated): ESP Exome Variant Server 0.03137; gnomAD 0.05921; TOPMed 0.06780; ExAC 0.09550; 1000 Genomes Project 30x 0.15959; 1000 Genomes Project 0.16833.
gnomAD v4.1: 96,246 of 1,613,810 alleles (6%); highest among the groups gnomAD compares: East Asian, 50%; 8,922 homozygotes.

Submission:

PreventionGenetics, part of Exact Sciences
Classification: Benign for SLC28A1-related condition. Last evaluated: 2019-11-12. Review status: no assertion criteria provided. Collection method: clinical testing. Allele origin: germline.
Comment: This variant is classified as benign based on ACMG/AMP sequence variant interpretation guidelines (Richards et al. 2015 PMID: 25741868, with internal and published modifications).